The following is an entry in ClinVar:

NM_018089.3(ANKZF1):c.1927C>T (p.Arg643Ter)

Gene: ANKZF1 (ankyrin repeat and zinc finger peptidyl tRNA hydrolase 1; plus strand). Cytogenetic location: 2q35.
Variant type: single nucleotide variant.
Coding change: c.1927C>T on transcript NM_018089.3 (MANE Select); coding-DNA position 1927, C replaced by T.
Protein change: p.Arg643Ter; replaces arginine 643 with a stop codon.
Molecular consequence: nonsense.
Genome position (GRCh38, 1-based): chr2:219,235,831, C>T. VCF-style: chr2-219235831-C-T. GRCh37 (hg19) VCF-style: chr2-220100553-C-T.
Other names: c.1927C>T, p.Arg643Ter (NM_001042410.2); c.1297C>T, p.Arg433Ter (NM_001282792.2); short protein forms R433*, R643*.
Identifiers: ClinVar variation 1989211 (VCV001989211.4), dbSNP rs150402081, ClinGen allele CA2121231.

ClinVar aggregate classification (germline): Uncertain significance (1 of 4 stars; one submission).

gnomAD v4.1: 9 of 1,614,046 alleles (0.00056%); highest among the groups gnomAD compares: African/African-American, 0.0013%; no homozygotes.

Submission:

Labcorp Genetics (formerly Invitae), Labcorp
Classification: Uncertain significance. Last evaluated: 2023-07-16. Review status: criteria provided, single submitter. Criteria: Invitae Variant Classification Sherloc (09022015). Collection method: clinical testing. Allele origin: germline.
Comment: In summary, the available evidence is currently insufficient to determine the role of this variant in disease. Therefore, it has been classified as a Variant of Uncertain Significance. ClinVar contains an entry for this variant (Variation ID: 1989211). This variant has not been reported in the literature in individuals affected with ANKZF1-related conditions. This variant is present in population databases (rs150402081, gnomAD 0.002%). This sequence change creates a premature translational stop signal (p.Arg643*) in the ANKZF1 gene. It is expected to result in an absent or disrupted protein product. However, the current clinical and genetic evidence is not sufficient to establish whether loss-of-function variants in ANKZF1 cause disease.